The following is an entry in ClinVar:

ClinVar aggregate classification (germline): Benign/Likely benign. Review status: criteria provided, multiple submitters, no conflicts (2 of 4 stars). 3 submissions from 3 submitters: Benign (1); Likely benign (1). 1 of the submissions does not count toward it. Last evaluated 2025-10-13.

Conditions:
Combined oxidative phosphorylation defect type 14. Also called: Combined oxidative phosphorylation deficiency 14. Identifiers: Orphanet 319519, MedGen C4755312, MONDO:0013986, OMIM 614946.
FARS2-related disorder. Also called: FARS2-related disorders; FARS2-related condition.

Allele frequency attached by ClinVar (database versions not stated): 1000 Genomes Project 0.00040; 1000 Genomes Project 30x 0.00047.
gnomAD v4.1: 213 of 1,613,984 alleles (0.013%); highest among the groups gnomAD compares: South Asian, 0.21%; 2 homozygotes.

Submissions (3):

Labcorp Genetics (formerly Invitae), Labcorp
Classification: Benign for Combined oxidative phosphorylation defect type 14. Last evaluated: 2025-10-13. Review status: criteria provided, single submitter. Criteria: Invitae Variant Classification Sherloc (09022015). Collection method: clinical testing. Allele origin: germline.

Blueprint Genetics
Classification: Likely benign. Last evaluated: 2024-01-22. Review status: criteria provided, single submitter. Criteria: ACMG Guidelines, 2015. Collection method: clinical testing. Allele origin: germline.

PreventionGenetics, part of Exact Sciences
Classification: Likely benign for FARS2-related condition. Last evaluated: 2019-11-27. Review status: no assertion criteria provided. Collection method: clinical testing. Allele origin: germline. Not counted in ClinVar's aggregate classification.
Comment: This variant is classified as likely benign based on ACMG/AMP sequence variant interpretation guidelines (Richards et al. 2015 PMID: 25741868, with internal and published modifications).

NM_006567.5(FARS2):c.462G>A (p.Ala154=)

Genes: FARS2 (phenylalanyl-tRNA synthetase 2, mitochondrial; plus strand), LOC126859565 (CDK7 strongly-dependent group 2 enhancer GRCh37_chr6:5368745-5369944; plus strand). Cytogenetic location: 6p25.1.
Variant type: single nucleotide variant.
Coding change: c.462G>A on transcript NM_006567.5 (MANE Select); coding-DNA position 462, G replaced by A.
Protein change: p.Ala154=; no amino-acid change (alanine 154 retained).
Molecular consequence: synonymous variant. On other transcripts: intron variant (2).
Genome position (GRCh38, 1-based): chr6:5,369,032, G>A. VCF-style: chr6-5369032-G-A. GRCh37 (hg19) VCF-style: chr6-5369265-G-A.
Other names: c.462G>A, p.Ala154= (NM_001318872.2, NM_001374875.1, NM_001374876.1 and 5 more transcripts); c.-340-27601G>A (NM_001375260.1); c.-84-35510G>A (NM_001375259.1); c.462G>A (NM_006567.4).
Identifiers: ClinVar variation 1606582 (VCV001606582.11), dbSNP rs150477330, ClinGen allele CA3623649.